The following is an entry in ClinVar:

NM_001130987.2(DYSF):c.5853C>A (p.Asp1951Glu)

Gene: DYSF (dysferlin; plus strand). Cytogenetic location: 2p13.2.
Variant type: single nucleotide variant.
Coding change: c.5853C>A on transcript NM_001130987.2 (MANE Select); coding-DNA position 5853, C replaced by A.
Protein change: p.Asp1951Glu; replaces aspartic acid 1951 with glutamic acid.
Molecular consequence: missense variant.
Genome position (GRCh38, 1-based): chr2:71,674,265, C>A. VCF-style: chr2-71674265-C-A. GRCh37 (hg19) VCF-style: chr2-71901395-C-A.
Other names: c.5739C>A, p.Asp1913Glu (NM_001130455.2); c.5694C>A, p.Asp1898Glu (NM_001130976.2); c.5757C>A, p.Asp1919Glu (NM_001130977.2); c.5799C>A, p.Asp1933Glu (NM_001130978.2); c.5829C>A, p.Asp1943Glu (NM_001130979.2); c.5787C>A, p.Asp1929Glu (NM_001130980.2); c.5850C>A, p.Asp1950Glu (NM_001130981.2); c.5832C>A, p.Asp1944Glu (NM_001130982.2); and 5 more; short protein forms D1913E, D1934E, D1912E, D1920E, D1943E, D1899E, D1929E, D1933E.
Identifiers: ClinVar variation 1389819 (VCV001389819.6), dbSNP rs773560454, ClinGen allele CA1707522.
Genomic context (GRCh38, chr2:71,674,265, plus strand): 5'-CTGGAGGCTGGACAAGACTGAGAGCAAAATCCCAGCACGAGTGGTGTTCCAGATCTGGGA[C>A]AATGACAAGTTCTCCTTTGATGATTTTCTGGGTAAGCGCTATTGCTAGAATCCCATTCTG-3'
Protein context (NP_001124459.1, residues 1941-1961): IPARVVFQIW[Asp1951Glu]NDKFSFDDFL

ClinVar aggregate classification (germline): Uncertain significance (1 of 4 stars; one submission).

Conditions:
Neuromuscular disease caused by qualitative or quantitative defects of dysferlin. Also called: Qualitative or quantitative defects of dysferlin; Dysferlinopathy. Identifiers: Orphanet 207073, MedGen C2931687, MONDO:0016145.

Allele frequency attached by ClinVar (database versions not stated): gnomAD exomes below 0.00001; ExAC 0.00001.
gnomAD v4.1: 2 of 1,614,238 alleles (0.00012%); highest among the groups gnomAD compares: Non-Finnish European, 0.00017%; no homozygotes.

Submission:

Labcorp Genetics (formerly Invitae), Labcorp
Classification: Uncertain significance for Neuromuscular disease caused by qualitative or quantitative defects of dysferlin. Last evaluated: 2023-11-27. Review status: criteria provided, single submitter. Criteria: Invitae Variant Classification Sherloc (09022015). Collection method: clinical testing. Allele origin: germline.
Comment: This sequence change replaces aspartic acid, which is acidic and polar, with glutamic acid, which is acidic and polar, at codon 1912 of the DYSF protein (p.Asp1912Glu). This variant is present in population databases (rs773560454, gnomAD 0.0009%). This variant has not been reported in the literature in individuals affected with DYSF-related conditions. ClinVar contains an entry for this variant (Variation ID: 1389819). Advanced modeling of protein sequence and biophysical properties (such as structural, functional, and spatial information, amino acid conservation, physicochemical variation, residue mobility, and thermodynamic stability) has been performed at Invitae for this missense variant, however the output from this modeling did not meet the statistical confidence thresholds required to predict the impact of this variant on DYSF protein function. In summary, the available evidence is currently insufficient to determine the role of this variant in disease. Therefore, it has been classified as a Variant of Uncertain Significance.